The following is an entry in ClinVar:

ClinVar aggregate classification (germline): Pathogenic (1 of 4 stars; one submission).

Conditions:
Developmental and epileptic encephalopathy, 9 (DEE9). Also called: Early infantile epileptic encephalopathy 9; EPILEPSY, FEMALE-RESTRICTED, WITH MENTAL RETARDATION; JUBERG-HELLMAN SYNDROME; PCDH19-Related X-Linked Female-Limited Epilepsy with Mental Retardation. Identifiers: Orphanet 101039, Orphanet 2076, MedGen C1848137, MONDO:0010246, OMIM 300088. Disease mechanism: loss of function.

Submission:

Labcorp Genetics (formerly Invitae), Labcorp
Classification: Pathogenic for Developmental and epileptic encephalopathy, 9. Last evaluated: 2023-07-14. Review status: criteria provided, single submitter. Criteria: Invitae Variant Classification Sherloc (09022015). Collection method: clinical testing. Allele origin: germline.
Comment: For these reasons, this variant has been classified as Pathogenic. This variant disrupts a region of the PCDH19 protein in which other variant(s) (p.Ser276Pro) have been determined to be pathogenic (PMID: 19752159). This suggests that this is a clinically significant region of the protein, and that variants that disrupt it are likely to be disease-causing. ClinVar contains an entry for this variant (Variation ID: 579744). This variant has not been reported in the literature in individuals affected with PCDH19-related conditions. This variant is not present in population databases (gnomAD no frequency). This variant, c.827_829del, results in the deletion of 1 amino acid(s) of the PCDH19 protein (p.Ser276del), but otherwise preserves the integrity of the reading frame.

Literature cited by the submitters: PubMed 19752159.

NM_001184880.2(PCDH19):c.827_829del (p.Ser276del)

Gene: PCDH19 (protocadherin 19; minus strand). Cytogenetic location: Xq22.1.
Variant type: Deletion.
Coding change: c.827_829del on transcript NM_001184880.2 (MANE Select); coding-DNA positions 827 to 829, 3 bases deleted (CCT; older notation c.827_829delCCT).
Protein change: p.Ser276del; deletes serine 276.
Molecular consequence: inframe deletion.
Genome position (GRCh38, 1-based): chrX:100,407,769-100,407,771, AGG deleted on the plus strand (CCT on the coding strand, the reverse complement: PCDH19 is on the minus strand); deleting any 3 consecutive bases within chrX:100,407,769-100,407,773 gives the same sequence; the c. name uses the placement nearest the transcript's 3' end. VCF-style (leftmost placement, unchanged base first): chrX-100407768-AAGG-A. GRCh37 (hg19) VCF-style: chrX-99662766-AAGG-A.
Other names: c.827_829del, p.Ser276del (NM_001105243.2, NM_020766.3); short protein forms S276del.
Identifiers: ClinVar variation 579744 (VCV000579744.9), dbSNP rs1569315403, ClinGen allele CA891843595.
Genomic context (GRCh38, chrX:100,407,768, plus strand): 5'-AGGCCACTGTGCGGGTCGATCTGAAAGAGCTCGCGCGTGCGGTCGTTGACGTAGCCATAG[AAGG>A]AGTAGACCACCTGGCCGTTGGTGCCCTCGTCTGGATCGCTGGCGTTGAGGCGGATGACGG-3'